The following is an entry in ClinVar:

NM_000518.5(HBB):c.315+1G>C

Genes: HBB (hemoglobin subunit beta; minus strand), LOC106099062 (HBB recombination region; plus strand), LOC107133510 (origin of replication at HBB; plus strand), LOC110006319 (beta-globin gene 3' regulatory region; plus strand). Cytogenetic location: 11p15.4.
Variant type: single nucleotide variant.
Coding change: c.315+1G>C on transcript NM_000518.5 (MANE Select); the canonical splice donor site of the intron after coding-DNA position 315, G replaced by C.
Molecular consequence: splice donor variant.
Genome position (GRCh38, 1-based): chr11:5,226,576, C>G on the plus strand (G>C on the coding strand, the complement: HBB is on the minus strand). VCF-style: chr11-5226576-C-G. GRCh37 (hg19) VCF-style: chr11-5247806-C-G.
Other names: IVS II-1 G>C.
Identifiers: ClinVar variation 189128 (VCV000189128.11), dbSNP rs33945777, ClinGen allele CA346836.

ClinVar aggregate classification (germline): Pathogenic. Review status: criteria provided, single submitter (1 of 4 stars). 3 submissions from 3 submitters: Pathogenic (1). 2 of the submissions do not count toward it. Last evaluated 2021-09-14.

Conditions:
beta Thalassemia (BTHAL). Also called: Cooley's anemia; Erythroblastic anemia; Mediterranean anemia. Identifiers: Orphanet 848, MedGen C0005283, MONDO:0019402. Disease mechanism: loss of function.

gnomAD v4.1: 1 of 1,613,530 alleles (0.000062%); highest among the groups gnomAD compares: Non-Finnish European, 0.000085%; no homozygotes.

Submissions (3):

Labcorp Genetics (formerly Invitae), Labcorp
Classification: Pathogenic. Last evaluated: 2021-09-14. Review status: criteria provided, single submitter. Criteria: Invitae Variant Classification Sherloc (09022015). Collection method: clinical testing. Allele origin: germline.
Comment: For these reasons, this variant has been classified as Pathogenic. Variants that disrupt the consensus splice site are a relatively common cause of aberrant splicing (PMID: 17576681, 9536098). Studies have shown that disruption of this splice site results in insertion of the first 47 nucleotides of intron 2 between exons 2 and 3 or with exon 2 skipping and introduces a new termination codon (PMID: 7151176). However the mRNA is not expected to undergo nonsense-mediated decay. ClinVar contains an entry for this variant (Variation ID: 189128). This variant is also known as IVS-II-1 (G->C). Disruption of this splice site has been observed in individuals with beta thalassemia (PMID: 2446680, 8718703, 27263053, 28391758). This variant is not present in population databases (ExAC no frequency). This sequence change affects a donor splice site in intron 2 of the HBB gene. RNA analysis indicates that disruption of this splice site induces altered splicing and likely disrupts the C-terminus of the protein.

The ITHANET community portal, The Cyprus Institute of Neurology and Genetics
Classification: Pathogenic for beta Thalassemia. Last evaluated: 2019-11-25. Review status: no assertion criteria provided. Collection method: curation. Allele origin: germline. Not counted in ClinVar's aggregate classification.

Counsyl
Classification: Likely pathogenic for beta Thalassemia. Last evaluated: 2015-01-15. Review status: no assertion criteria provided. Collection method: literature only. Allele origin: unknown. Inheritance: Autosomal recessive inheritance. Not counted in ClinVar's aggregate classification.

Literature cited by the submitters: PubMed 17576681 (cited by Labcorp Genetics (formerly Invitae), Labcorp); PubMed 9536098 (cited by Labcorp Genetics (formerly Invitae), Labcorp); PubMed 7151176 (cited by Labcorp Genetics (formerly Invitae), Labcorp); PubMed 2446680 (cited by Labcorp Genetics (formerly Invitae), Labcorp); PubMed 8718703 (cited by 3 submitters); PubMed 27263053 (cited by Labcorp Genetics (formerly Invitae), Labcorp); PubMed 28391758 (cited by Labcorp Genetics (formerly Invitae), Labcorp).